The following is an entry in ClinVar:

ClinVar aggregate classification (germline): Uncertain significance. Review status: criteria provided, multiple submitters, no conflicts (2 of 4 stars). 4 submissions from 4 submitters: Uncertain significance (4). Last evaluated 2024-07-08.

Conditions:
Loeys-Dietz syndrome (LDS). Identifiers: Orphanet 60030, MedGen C2697932, MONDO:0018954.
Familial thoracic aortic aneurysm and aortic dissection (TAAD). Also called: Thoracic aortic aneurysms and dissections. Identifiers: Orphanet 91387, MedGen C4707243, MONDO:0019625.

Allele frequency attached by ClinVar (database versions not stated): gnomAD exomes below 0.00001; TOPMed below 0.00001; ExAC 0.00001; gnomAD 0.00001.
gnomAD v4.1: 5 of 1,614,064 alleles (0.00031%); highest among the groups gnomAD compares: Non-Finnish European, 0.00042%; no homozygotes.

Submissions (4):

Labcorp Genetics (formerly Invitae), Labcorp
Classification: Uncertain significance for Familial thoracic aortic aneurysm and aortic dissection. Last evaluated: 2024-07-08. Review status: criteria provided, single submitter. Criteria: Invitae Variant Classification Sherloc (09022015). Collection method: clinical testing. Allele origin: germline.
Comment: This sequence change replaces leucine, which is neutral and non-polar, with valine, which is neutral and non-polar, at codon 126 of the TGFBR1 protein (p.Leu126Val). This variant is present in population databases (rs756586874, gnomAD 0.0009%). This variant has not been reported in the literature in individuals affected with TGFBR1-related conditions. ClinVar contains an entry for this variant (Variation ID: 926842). Advanced modeling of protein sequence and biophysical properties (such as structural, functional, and spatial information, amino acid conservation, physicochemical variation, residue mobility, and thermodynamic stability) performed at Invitae indicates that this missense variant is not expected to disrupt TGFBR1 protein function with a negative predictive value of 95%. In summary, the available evidence is currently insufficient to determine the role of this variant in disease. Therefore, it has been classified as a Variant of Uncertain Significance.

Color Diagnostics, LLC DBA Color Health
Classification: Uncertain significance for Familial thoracic aortic aneurysm and aortic dissection. Last evaluated: 2024-03-07. Review status: criteria provided, single submitter. Criteria: ACMG Guidelines, 2015. Collection method: clinical testing. Allele origin: germline.
Comment: This missense variant replaces leucine with valine at codon 126 of the TGFBR1 protein. Computational prediction is inconclusive regarding the impact of this variant on protein structure and function (internally defined REVEL score threshold 0.5 < inconclusive < 0.7, PMID: 27666373). To our knowledge, functional studies have not been reported for this variant. This variant has not been reported in individuals affected with TGFBR1-related disorders in the literature. This variant has been identified in 1/250980 chromosomes in the general population by the Genome Aggregation Database (gnomAD). The available evidence is insufficient to determine the role of this variant in disease conclusively. Therefore, this variant is classified as a Variant of Uncertain Significance.

Blueprint Genetics
Classification: Uncertain significance. Last evaluated: 2023-10-30. Review status: criteria provided, single submitter. Criteria: ACMG Guidelines, 2015. Collection method: clinical testing. Allele origin: germline.

All of Us Research Program, National Institutes of Health
Classification: Uncertain significance for Loeys-Dietz syndrome. Last evaluated: 2023-02-24. Review status: criteria provided, single submitter. Criteria: ACMG Guidelines, 2015. Collection method: clinical testing. Allele origin: germline. Inheritance: Autosomal dominant inheritance. Observed: 1 variant allele, 1 heterozygote.
Comment: Variant of Uncertain Significance due to insufficient evidence: This missense variant is located in the extracellular receptor domain of the TGFBR1 protein. Computational prediction tools and conservation analyses are inconclusive regarding the impact of this variant on the protein function. Computational splicing tools suggest that this variant may not impact RNA splicing. To our knowledge, functional assays have not been performed for this variant nor has this variant been reported in individuals affected with cardiovascular disorders in the literature. This variant has been identified in 1/245714 chromosomes in the general population by the Genome Aggregation Database (gnomAD). Available evidence is insufficient to determine the pathogenicity of this variant conclusively.

This study involves interpretation of variants in research participants for the purpose of population health screening. Participant phenotype was not available at the time of variant classification. Additional details can be found in publication PMID: 35346344, PMCID: PMC8962531

NM_004612.4(TGFBR1):c.376C>G (p.Leu126Val)

Gene: TGFBR1 (transforming growth factor beta receptor 1; plus strand). Cytogenetic location: 9q22.33.
Variant type: single nucleotide variant.
Coding change: c.376C>G on transcript NM_004612.4 (MANE Select); coding-DNA position 376, C replaced by G.
Protein change: p.Leu126Val; replaces leucine 126 with valine.
Molecular consequence: missense variant. On other transcripts: intron variant (1).
Genome position (GRCh38, 1-based): chr9:99,132,541, C>G. VCF-style: chr9-99132541-C-G. GRCh37 (hg19) VCF-style: chr9-101894823-C-G.
Other names: c.388C>G, p.Leu130Val (NM_001306210.2); c.343+3441C>G (NM_001130916.3); short protein forms L126V, L130V.
Identifiers: ClinVar variation 926842 (VCV000926842.15), dbSNP rs756586874, ClinGen allele CA041963.
Genomic context (GRCh38, chr9:99,132,541, plus strand): 5'-GTTTATTTCACTCGAGGCCCTTTTTCAGTAAAGTCATCACCTGGCCTTGGTCCTGTGGAA[C>G]TGGCAGCTGTCATTGCTGGACCAGTGTGCTTCGTCTGCATCTCACTCATGTTGATGGTCT-3'
Protein context (NP_004603.1, residues 116-136): KSSPGLGPVE[Leu126Val]AAVIAGPVCF